The following is an entry in ClinVar:

NM_000077.5(CDKN2A):c.161T>G (p.Met54Arg)

Gene: CDKN2A (cyclin dependent kinase inhibitor 2A; minus strand). Cytogenetic location: 9p21.3.
Variant type: single nucleotide variant.
Coding change: c.161T>G on transcript NM_000077.5; coding-DNA position 161, T replaced by G.
Protein change: p.Met54Arg; replaces methionine 54 with arginine.
Molecular consequence: missense variant (on NM_000077.6). On other transcripts: 3 prime UTR variant (1).
Genome position (GRCh38, 1-based): chr9:21,971,198, A>C on the plus strand (T>G on the coding strand, the complement: CDKN2A is on the minus strand). VCF-style: chr9-21971198-A-C. GRCh37 (hg19) VCF-style: chr9-21971197-A-C.
Other names: c.161T>G, p.Met54Arg (NM_000077.6, NM_001195132.2); c.8T>G, p.Met3Arg (NM_001363763.2); c.204T>G, p.Asp68Glu (NM_058195.4); c.*84T>G (NM_058197.5); short protein forms D68E, M54R, M3R.
Identifiers: ClinVar variation 819690 (VCV000819690.4), dbSNP rs1587332544, ClinGen allele CA373086436.

ClinVar aggregate classification (germline): Uncertain significance (1 of 4 stars; one submission).

Conditions:
Hereditary cancer-predisposing syndrome. Also called: Neoplastic Syndromes, Hereditary; Tumor predisposition; Hereditary Cancer Syndrome; Hereditary neoplastic syndrome. Identifiers: Orphanet 140162, MedGen C0027672, MeSH D009386, MONDO:0015356.

Submission:

Ambry Genetics
Classification: Uncertain significance for Hereditary cancer-predisposing syndrome. Last evaluated: 2019-02-26. Review status: criteria provided, single submitter. Criteria: Ambry Variant Classification Scheme 2023. Collection method: clinical testing. Allele origin: germline.
Comment: The p.M54R variant (also known as c.161T>G), located in coding exon 2 of the CDKN2A gene, results from a T to G substitution at nucleotide position 161. The methionine at codon 54 is replaced by arginine, an amino acid with similar properties. This amino acid position is well conserved in available vertebrate species. In addition, the in silico prediction for this alteration is inconclusive. Since supporting evidence is limited at this time, the clinical significance of this alteration remains unclear.